The following is an entry in ClinVar:

NM_017654.4(SAMD9):c.2547C>G (p.Asp849Glu)

Gene: SAMD9 (sterile alpha motif domain containing 9; minus strand). Cytogenetic location: 7q21.2.
Variant type: single nucleotide variant.
Coding change: c.2547C>G on transcript NM_017654.4 (MANE Select); coding-DNA position 2547, C replaced by G.
Protein change: p.Asp849Glu; replaces aspartic acid 849 with glutamic acid.
Molecular consequence: missense variant.
Genome position (GRCh38, 1-based): chr7:93,103,551, G>C on the plus strand (C>G on the coding strand, the complement: SAMD9 is on the minus strand). VCF-style: chr7-93103551-G-C. GRCh37 (hg19) VCF-style: chr7-92732864-G-C.
Other names: c.2547C>G, p.Asp849Glu (NM_001193307.2); short protein forms D849E.
Identifiers: ClinVar variation 4863804 (VCV004863804.1).

ClinVar aggregate classification (germline): Uncertain significance (1 of 4 stars; one submission).

Conditions:
Inborn genetic diseases. Identifiers: MedGen C0950123, MeSH D030342.

gnomAD v4.1: 3 of 1,613,464 alleles (0.00019%); highest among the groups gnomAD compares: Non-Finnish European, 0.00025%; no homozygotes.

Submission:

Ambry Genetics
Classification: Uncertain significance for Inborn genetic diseases. Last evaluated: 2026-04-09. Review status: criteria provided, single submitter. Criteria: Ambry Variant Classification Scheme 2023. Collection method: clinical testing. Allele origin: germline.
Comment: The p.D849E variant (also known as c.2547C>G), located in coding exon 1 of the SAMD9 gene, results from a C to G substitution at nucleotide position 2547. The aspartic acid at codon 849 is replaced by glutamic acid, an amino acid with highly similar properties. This amino acid position is conserved. In addition, this alteration is predicted to be tolerated by in silico analysis. Based on the available evidence, the clinical significance of this variant remains unclear.